The following is an entry in ClinVar:

NM_177438.3(DICER1):c.1945C>T (p.Leu649=)

Gene: DICER1 (dicer 1, ribonuclease III; minus strand). Cytogenetic location: 14q32.13.
Variant type: single nucleotide variant.
Coding change: c.1945C>T on transcript NM_177438.3 (MANE Select); coding-DNA position 1945, C replaced by T.
Protein change: p.Leu649=; no amino-acid change (leucine 649 retained).
Molecular consequence: synonymous variant. On other transcripts: non-coding transcript variant (6).
Genome position (GRCh38, 1-based): chr14:95,113,187, G>A on the plus strand (C>T on the coding strand, the complement: DICER1 is on the minus strand). VCF-style: chr14-95113187-G-A. GRCh37 (hg19) VCF-style: chr14-95579524-G-A.
Other names: c.1945C>T, p.Leu649= (NM_001195573.1, NM_001271282.3, NM_001291628.2 and 13 more transcripts); c.1663C>T, p.Leu555= (NM_001395686.1); c.1540C>T, p.Leu514= (NM_001395687.1, NM_001395688.1, NM_001395689.1 and 3 more transcripts); c.1378C>T, p.Leu460= (NM_001395691.1); c.262C>T, p.Leu88= (NM_001395697.1).
Identifiers: ClinVar variation 1930850 (VCV001930850.6), dbSNP rs1892136669, ClinGen allele CA487630207.

ClinVar aggregate classification (germline): Benign/Likely benign. Review status: criteria provided, multiple submitters, no conflicts (2 of 4 stars). 2 submissions from 2 submitters: Benign (1); Likely benign (1). Last evaluated 2026-04-16.

Conditions:
DICER1-related tumor predisposition. Also called: DICER1 syndrome; DICER1-related pleuropulmonary blastoma cancer predisposition syndrome. Identifiers: Orphanet 284343, MedGen C3839822, MONDO:0100216.

Submissions (2):

Myriad Genetics, Inc.
Classification: Benign for DICER1-related tumor predisposition. Last evaluated: 2026-04-16. Review status: criteria provided, single submitter. Criteria: Myriad Autosomal Dominant, Autosomal Recessive and X-Linked Classification Criteria (2023). Collection method: clinical testing. Allele origin: unknown.
Comment: This variant is considered benign. This variant is a silent/synonymous amino acid change and it is not expected to impact splicing.

Labcorp Genetics (formerly Invitae), Labcorp
Classification: Likely benign for DICER1-related tumor predisposition. Last evaluated: 2024-09-28. Review status: criteria provided, single submitter. Criteria: Invitae Variant Classification Sherloc (09022015). Collection method: clinical testing. Allele origin: germline.